The following is an entry in ClinVar:

NM_000264.5(PTCH1):c.2532G>T (p.Trp844Cys)

Genes: PTCH1 (patched 1; minus strand), LOC100507346 (uncharacterized LOC100507346; plus strand). Cytogenetic location: 9q22.32.
Variant type: single nucleotide variant.
Coding change: c.2532G>T on transcript NM_000264.5 (MANE Select); coding-DNA position 2532, G replaced by T.
Protein change: p.Trp844Cys; replaces tryptophan 844 with cysteine.
Molecular consequence: missense variant. On other transcripts: non-coding transcript variant (2).
Genome position (GRCh38, 1-based): chr9:95,467,144, C>A on the plus strand (G>T on the coding strand, the complement: PTCH1 is on the minus strand). VCF-style: chr9-95467144-C-A. GRCh37 (hg19) VCF-style: chr9-98229426-C-A.
Other names: c.2334G>T, p.Trp778Cys (NM_001083602.3); c.2529G>T, p.Trp843Cys (NM_001083603.3); c.2079G>T, p.Trp693Cys (NM_001083604.3, NM_001083605.3, NM_001083606.3 and 1 more transcripts); c.2376G>T, p.Trp792Cys (NM_001354918.2); short protein forms W844C, W693C, W792C, W843C, W778C.
Identifiers: ClinVar variation 1442764 (VCV001442764.6), dbSNP rs1840077192, ClinGen allele CA374113771.

ClinVar aggregate classification (germline): Pathogenic (1 of 4 stars; one submission).

Conditions:
Gorlin syndrome. Also called: Basal cell nevus syndrome; Nevoid Basal Cell Carcinoma Syndrome. Identifiers: Orphanet 377, MedGen C0004779, MONDO:0007187.

Submission:

Labcorp Genetics (formerly Invitae), Labcorp
Classification: Pathogenic for Gorlin syndrome. Last evaluated: 2021-10-28. Review status: criteria provided, single submitter. Criteria: Invitae Variant Classification Sherloc (09022015). Collection method: clinical testing. Allele origin: germline.
Comment: For these reasons, this variant has been classified as Pathogenic. This variant disrupts the p.Trp844 amino acid residue in PTCH1. Other variant(s) that disrupt this residue have been determined to be pathogenic (Invitae). This suggests that this residue is clinically significant, and that variants that disrupt this residue are likely to be disease-causing. Advanced modeling of protein sequence and biophysical properties (such as structural, functional, and spatial information, amino acid conservation, physicochemical variation, residue mobility, and thermodynamic stability) performed at Invitae indicates that this missense variant is expected to disrupt PTCH1 protein function. This missense change has been observed in individuals with clinical features of basal cell nevus syndrome or Gorlin syndrome (PMID: 29277811; Invitae). This variant is not present in population databases (gnomAD no frequency). This sequence change replaces tryptophan, which is neutral and slightly polar, with cysteine, which is neutral and slightly polar, at codon 844 of the PTCH1 protein (p.Trp844Cys).

Literature cited by the submitters: PubMed 29277811.